The following is an entry in ClinVar:

ClinVar aggregate classification (germline): Conflicting classifications of pathogenicity. Review status: criteria provided, conflicting classifications (1 of 4 stars). 12 submissions from 12 submitters: Uncertain significance (9); Likely benign (1). 2 of the submissions do not count toward it. Last evaluated 2025-05-19.

Conditions:
FANCE-related disorder. Also called: FANCE-related condition.
Fanconi anemia (FA). Also called: Fanconi's anemia. Identifiers: Orphanet 84, MedGen C0015625, MeSH D005199, MONDO:0019391.
Fanconi anemia complementation group E (FANCE). Also called: FANCE-Related Fanconi Anemia. Identifiers: Orphanet 84, MedGen C3160739, MONDO:0010953, OMIM 600901.

Allele frequency attached by ClinVar (database versions not stated): gnomAD exomes 0.00040; 1000 Genomes Project 30x 0.00047; TOPMed 0.00060; gnomAD 0.00061; ExAC 0.00151.
gnomAD v4.1: 738 of 1,301,090 alleles (0.057%); highest among the groups gnomAD compares: Non-Finnish European, 0.068%; no homozygotes.

Submissions (12):

ARUP Laboratories, Molecular Genetics and Genomics, ARUP Laboratories
Classification: Likely benign for Fanconi anemia complementation group E. Last evaluated: 2025-05-19. Review status: criteria provided, single submitter. Criteria: ARUP Molecular Germline Variant Investigation Process 2024. Collection method: clinical testing. Allele origin: germline.

Blueprint Genetics
Classification: Uncertain significance. Last evaluated: 2024-10-07. Review status: criteria provided, single submitter. Criteria: ACMG Guidelines, 2015. Collection method: clinical testing. Allele origin: germline.

Fulgent Genetics
Classification: Uncertain significance for Fanconi anemia complementation group E. Last evaluated: 2024-06-05. Review status: criteria provided, single submitter. Criteria: ACMG Guidelines, 2015. Collection method: clinical testing. Allele origin: germline.

Labcorp Genetics (formerly Invitae), Labcorp
Classification: Uncertain significance for Fanconi anemia complementation group E. Last evaluated: 2022-10-28. Review status: criteria provided, single submitter. Criteria: Invitae Variant Classification Sherloc (09022015). Collection method: clinical testing. Allele origin: germline.
Comment: This sequence change replaces proline, which is neutral and non-polar, with threonine, which is neutral and polar, at codon 77 of the FANCE protein (p.Pro77Thr). This variant is present in population databases (rs587778335, gnomAD 0.09%). This variant has not been reported in the literature in individuals affected with FANCE-related conditions. ClinVar contains an entry for this variant (Variation ID: 134330). Advanced modeling of protein sequence and biophysical properties (such as structural, functional, and spatial information, amino acid conservation, physicochemical variation, residue mobility, and thermodynamic stability) performed at Invitae indicates that this missense variant is expected to disrupt FANCE protein function. In summary, the available evidence is currently insufficient to determine the role of this variant in disease. Therefore, it has been classified as a Variant of Uncertain Significance.

Institute for Clinical Genetics, University Hospital TU Dresden, University Hospital TU Dresden
Classification: Uncertain significance. Last evaluated: 2021-11-03. Review status: criteria provided, single submitter. Criteria: ACMG Guidelines, 2015. Collection method: clinical testing. Allele origin: germline.

Sema4
Classification: Uncertain significance for Fanconi anemia. Last evaluated: 2021-07-20. Review status: criteria provided, single submitter. Criteria: Sema4 Curation Guidelines. Collection method: curation. Allele origin: germline.
Comment: The FANCE c.229C>A (p.P77T) variant has not been reported in the literature to our knowledge. It was observed in 26/25110 chromosomes, including 1 homozygote, in the Non-Finnish European subpopulation in the large and broad cohorts of the Genome Aggregation Database (PMID: 32461654). The variant has been reported in ClinVar (Variation ID: 134330). Functional studies have not been performed and in silico predictions of the variant's effect on protein function are inconclusive. The evidence is insufficient to meet ACMG/AMP criteria for classifying the variant as benign or pathogenic. Thus, the clinical significance of this variant is currently uncertain.

GeneDx
Classification: Uncertain significance. Last evaluated: 2019-07-22. Review status: criteria provided, single submitter. Criteria: GeneDx Variant Classification Process June 2021. Collection method: clinical testing. Allele origin: germline. Affected: yes.
Comment: In silico analysis, which includes protein predictors and evolutionary conservation, supports that this variant does not alter protein structure/function; This variant is associated with the following publications: (PMID: 26580448, 25188385, 24728327, 27153395, 29146900)

Illumina Laboratory Services, Illumina
Classification: Uncertain significance for Fanconi anemia complementation group E. Last evaluated: 2018-01-13. Review status: criteria provided, single submitter. Criteria: ICSL Variant Classification Criteria 13 December 2019. Collection method: clinical testing. Allele origin: germline.

Genetic Services Laboratory, University of Chicago
Classification: Uncertain significance. Last evaluated: 2016-02-23. Review status: criteria provided, single submitter. Criteria: ACMG Guidelines, 2015. Collection method: clinical testing. Allele origin: germline. Affected: no.

Breakthrough Genomics
Classification: Uncertain significance. Review status: criteria provided, single submitter. Criteria: ACMG Guidelines, 2015. Collection method: not provided. Allele origin: germline. Inheritance: Autosomal recessive inheritance. Affected: yes.

PreventionGenetics, part of Exact Sciences
Classification: Uncertain significance for FANCE-related condition. Last evaluated: 2024-02-03. Review status: no assertion criteria provided. Collection method: clinical testing. Allele origin: germline. Not counted in ClinVar's aggregate classification.
Comment: The FANCE c.229C>A variant is predicted to result in the amino acid substitution p.Pro77Thr. To our knowledge, this variant has not been reported in the literature. This variant is reported in 0.10% of alleles in individuals of European (Non-Finnish) descent in gnomAD Although we suspect that this variant may be benign, at this time, the clinical significance of this variant is uncertain due to the absence of conclusive functional and genetic evidence.

ITMI
No classification provided. Condition: AllHighlyPenetrant. Last evaluated: 2013-09-19. Review status: no classification provided. Collection method: reference population. Allele origin: germline. Not counted in ClinVar's aggregate classification.
Comment: Please see associated publication for description of ethnicities

Literature cited by the submitters: PubMed 24728327 (cited by ITMI).

NM_021922.3(FANCE):c.229C>A (p.Pro77Thr)

Genes: FANCE (FA complementation group E; plus strand), LOC129996245 (ATAC-STARR-seq lymphoblastoid silent region 17092; plus strand). Cytogenetic location: 6p21.31.
Variant type: single nucleotide variant.
Coding change: c.229C>A on transcript NM_021922.3 (MANE Select); coding-DNA position 229, C replaced by A.
Protein change: p.Pro77Thr; replaces proline 77 with threonine.
Molecular consequence: missense variant.
Genome position (GRCh38, 1-based): chr6:35,452,774, C>A. VCF-style: chr6-35452774-C-A. GRCh37 (hg19) VCF-style: chr6-35420551-C-A.
Other names: short protein forms P77T.
Identifiers: ClinVar variation 134330 (VCV000134330.25), dbSNP rs587778335, ClinGen allele CA159519.